The following is an entry in ClinVar:

ClinVar aggregate classification (germline): Likely benign. Review status: criteria provided, multiple submitters, no conflicts (2 of 4 stars). 4 submissions from 4 submitters: Likely benign (4). Last evaluated 2025-12-29.

Conditions:
Left-right axis malformations. Identifiers: MedGen C1866091.

Allele frequency attached by ClinVar (database versions not stated): ExAC 0.00013; TOPMed 0.00023; gnomAD 0.00025 and 0.00026; gnomAD exomes 0.00033 and 0.00034.

Submissions (4):

Labcorp Genetics (formerly Invitae), Labcorp
Classification: Likely benign for Left-right axis malformations. Last evaluated: 2025-12-29. Review status: criteria provided, single submitter. Criteria: Invitae Variant Classification Sherloc (09022015). Collection method: clinical testing. Allele origin: germline.

Blueprint Genetics
Classification: Likely benign. Last evaluated: 2024-11-25. Review status: criteria provided, single submitter. Criteria: ACMG Guidelines, 2015. Collection method: clinical testing. Allele origin: germline.

Illumina Laboratory Services, Illumina
Classification: Likely benign for Left-right axis malformations. Last evaluated: 2018-01-13. Review status: criteria provided, single submitter. Criteria: ICSL Variant Classification Criteria 13 December 2019. Collection method: clinical testing. Allele origin: germline.
Comment: This variant was observed in the ICSL laboratory as part of a predisposition screen in an ostensibly healthy population. It had not been previously curated by ICSL or reported in the Human Gene Mutation Database (HGMD: prior to June 1st, 2018), and was therefore a candidate for classification through an automated scoring system. Utilizing variant allele frequency, disease prevalence and penetrance estimates, and inheritance mode, an automated score was calculated to assess if this variant is too frequent to cause the disease. Based on the score and internal cut-off values, a variant classified as likely benign is not then subjected to further curation. The score for this variant resulted in a classification of likely benign for this disease.

PreventionGenetics, part of Exact Sciences
Classification: Likely benign. Review status: criteria provided, single submitter. Criteria: ACMG Guidelines, 2015. Collection method: clinical testing. Allele origin: germline.

NM_003240.5(LEFTY2):c.375C>T (p.Val125=)

Gene: LEFTY2 (left-right determination factor 2; minus strand). Cytogenetic location: 1q42.12.
Variant type: single nucleotide variant.
Coding change: c.375C>T on transcript NM_003240.5 (MANE Select); coding-DNA position 375, C replaced by T.
Protein change: p.Val125=; no amino-acid change (valine 125 retained).
Molecular consequence: synonymous variant. On other transcripts: intron variant (1).
Genome position (GRCh38, 1-based): chr1:225,939,878, G>A on the plus strand (C>T on the coding strand, the complement: LEFTY2 is on the minus strand). VCF-style: chr1-225939878-G-A. GRCh37 (hg19) VCF-style: chr1-226127578-G-A.
Other names: c.280-7C>T (NM_001172425.3).
Identifiers: ClinVar variation 259007 (VCV000259007.14), dbSNP rs757892012, ClinGen allele CA1420609.